The following is an entry in ClinVar:

NM_000368.5(TSC1):c.1219G>A (p.Val407Met)

Gene: TSC1 (TSC complex subunit 1; minus strand). Cytogenetic location: 9q34.13.
Variant type: single nucleotide variant.
Coding change: c.1219G>A on transcript NM_000368.5 (MANE Select); coding-DNA position 1219, G replaced by A.
Protein change: p.Val407Met; replaces valine 407 with methionine.
Molecular consequence: missense variant.
Genome position (GRCh38, 1-based): chr9:132,910,615, C>T on the plus strand (G>A on the coding strand, the complement: TSC1 is on the minus strand). VCF-style: chr9-132910615-C-T. GRCh37 (hg19) VCF-style: chr9-135786002-C-T.
Other names: c.1216G>A, p.Val406Met (NM_001162426.2); c.1066G>A, p.Val356Met (NM_001162427.2); c.856G>A, p.Val286Met (NM_001362177.2); short protein forms V407M, V286M, V406M, V356M.
Identifiers: ClinVar variation 466011 (VCV000466011.26), dbSNP rs769331772, ClinGen allele CA027322.
Genomic context (GRCh38, chr9:132,910,615, plus strand): 5'-ACGAGCTGGATCGCACCTTCCTGGGGGGTGTGACTGTGGCCTGGGGGAGTGAAATGTGCA[C>T]GTAGTCATCCGAATGACAGAGTGGGGCTGGAGGAGGAGAGGTTGCTGGGGTTCCCAGAGG-3'
Protein context (NP_000359.1, residues 397-417): PAPLCHSDDY[Val407Met]HISLPQATVT

ClinVar aggregate classification (germline): Conflicting classifications of pathogenicity. Review status: criteria provided, conflicting classifications (1 of 4 stars). 7 submissions from 7 submitters: Uncertain significance (1); Benign (4); Likely benign (2). Last evaluated 2025-11-27.

Conditions:
Hereditary cancer-predisposing syndrome. Also called: Hereditary neoplastic syndrome; Neoplastic Syndromes, Hereditary; Tumor predisposition; Hereditary Cancer Syndrome. Identifiers: Orphanet 140162, MedGen C0027672, MeSH D009386, MONDO:0015356.
Ovarian cancer. Also called: OVARIAN CANCER, SOMATIC. Identifiers: Orphanet 213500, MedGen C1140680, MONDO:0008170, OMIM 167000.
Tuberous sclerosis 1 (TSC1). Identifiers: Orphanet 805, MedGen C1854465, MONDO:0008612, OMIM 191100.
Tuberous sclerosis syndrome (TSC). Also called: Tuberous Sclerosis Complex; Tuberous sclerosis. Identifiers: Orphanet 805, MedGen C0041341, MONDO:0001734.

Allele frequency attached by ClinVar (database versions not stated): gnomAD 0.00001; ExAC 0.00002; TOPMed 0.00003.
gnomAD v4.1: 11 of 1,613,942 alleles (0.00068%); highest among the groups gnomAD compares: Middle Eastern, 0.016%; no homozygotes.

Submissions (7):

Labcorp Genetics (formerly Invitae), Labcorp
Classification: Benign for Tuberous sclerosis 1. Last evaluated: 2025-11-27. Review status: criteria provided, single submitter. Criteria: Invitae Variant Classification Sherloc (09022015). Collection method: clinical testing. Allele origin: germline.

Color Diagnostics, LLC DBA Color Health
Classification: Uncertain significance for Tuberous sclerosis syndrome. Last evaluated: 2023-09-01. Review status: criteria provided, single submitter. Criteria: ACMG Guidelines, 2015. Collection method: clinical testing. Allele origin: germline.
Comment: This variant is located in the TSC1 protein. Computational prediction suggests that this variant may not impact protein structure and function. Splice site prediction tools suggest that this variant may impact RNA splicing. This variant has been identified in 9/251112 chromosomes in the general population by the Genome Aggregation Database (gnomAD). The available evidence is insufficient to determine the role of this variant in disease conclusively. Therefore, this variant is classified as a Variant of Uncertain Significance.

Laboratory of Molecular Epidemiology of Birth Defects, West China Second University Hospital, Sichuan University
Classification: Benign for Ovarian cancer. Last evaluated: 2022-01-01. Review status: criteria provided, single submitter. Criteria: ACMG Guidelines, 2015. Collection method: clinical testing. Allele origin: germline. Affected: yes.

Genome-Nilou Lab
Classification: Benign for Tuberous sclerosis 1. Last evaluated: 2021-11-07. Review status: criteria provided, single submitter. Criteria: ACMG Guidelines, 2015. Collection method: clinical testing. Allele origin: germline. Affected: no.

GeneDx
Classification: Benign. Last evaluated: 2020-01-15. Review status: criteria provided, single submitter. Criteria: GeneDx Variant Classification Process June 2021. Collection method: clinical testing. Allele origin: germline. Affected: yes.

Genetic Services Laboratory, University of Chicago
Classification: Likely benign. Last evaluated: 2017-11-15. Review status: criteria provided, single submitter. Criteria: ACMG Guidelines, 2015. Collection method: clinical testing. Allele origin: germline. Affected: no.

Ambry Genetics
Classification: Likely benign for Hereditary cancer-predisposing syndrome. Last evaluated: 2017-02-22. Review status: criteria provided, single submitter. Criteria: Ambry Variant Classification Scheme 2023. Collection method: clinical testing. Allele origin: germline.